The following is an entry in ClinVar:

NM_001004334.4(GPR179):c.1976A>T (p.Tyr659Phe)

Gene: GPR179 (G protein-coupled receptor 179; minus strand). Cytogenetic location: 17q12.
Variant type: single nucleotide variant.
Coding change: c.1976A>T on transcript NM_001004334.4 (MANE Select); coding-DNA position 1976, A replaced by T.
Protein change: p.Tyr659Phe; replaces tyrosine 659 with phenylalanine.
Molecular consequence: missense variant.
Genome position (GRCh38, 1-based): chr17:38,333,312, T>A on the plus strand (A>T on the coding strand, the complement: GPR179 is on the minus strand). VCF-style: chr17-38333312-T-A. GRCh37 (hg19) VCF-style: chr17-36489195-T-A.
Other names: short protein forms Y659F.
Identifiers: ClinVar variation 1928735 (VCV001928735.4), dbSNP rs562081527, ClinGen allele CA290106842.

ClinVar aggregate classification (germline): Uncertain significance (1 of 4 stars; one submission).

Allele frequency attached by ClinVar (database versions not stated): ExAC 0.00001; gnomAD 0.00001; TOPMed 0.00002; 1000 Genomes Project 30x 0.00016; 1000 Genomes Project 0.00020.
gnomAD v4.1: 4 of 1,614,008 alleles (0.00025%); highest among the groups gnomAD compares: African/African-American, 0.0053%; no homozygotes.

Submission:

Labcorp Genetics (formerly Invitae), Labcorp
Classification: Uncertain significance. Last evaluated: 2022-03-13. Review status: criteria provided, single submitter. Criteria: Invitae Variant Classification Sherloc (09022015). Collection method: clinical testing. Allele origin: germline.
Comment: Algorithms developed to predict the effect of sequence changes on RNA splicing suggest that this variant may create or strengthen a splice site. This sequence change replaces tyrosine, which is neutral and polar, with phenylalanine, which is neutral and non-polar, at codon 659 of the GPR179 protein (p.Tyr659Phe). This variant is present in population databases (rs562081527, gnomAD 0.007%). This variant has not been reported in the literature in individuals affected with GPR179-related conditions. Algorithms developed to predict the effect of missense changes on protein structure and function are either unavailable or do not agree on the potential impact of this missense change (SIFT: "Tolerated"; PolyPhen-2: "Possibly Damaging"; Align-GVGD: "Class C0"). In summary, the available evidence is currently insufficient to determine the role of this variant in disease. Therefore, it has been classified as a Variant of Uncertain Significance.